The following is an entry in ClinVar:

ClinVar aggregate classification (germline): Likely benign (1 of 4 stars; one submission).

Submission:

CeGaT Center for Human Genetics Tuebingen
Classification: Likely benign. Last evaluated: 2022-06-01. Review status: criteria provided, single submitter. Criteria: CeGaT Center For Human Genetics Tuebingen Variant Classification Criteria Version 2. Collection method: clinical testing. Allele origin: germline. Affected: yes. Observed: 1 variant allele.
Comment: FAM230A: BP4, BP7

NC_000022.11:g.20355151C>T

Variant type: single nucleotide variant.
Genome position: GRCh38 VCF-style: chr22-20355151-C-T. GRCh37 (hg19) VCF-style: chr22-20709441-C-T.
Identifiers: ClinVar variation 2652892 (VCV002652892.24), dbSNP rs1808226721, ClinGen allele CA513391361.
Genomic context (GRCh38, chr22:20,355,151, plus strand): 5'-GGGCGTCGCTAACGAGGACGCCGTCCAGGGCATCGCTAACGAGGACGCCGTCCACGGCGT[C>T]GCTAAAGAGGTCGCCGCCCACGGCGTCGCTAACGAGGATGCCGCCCACGCGATCGCTAAG-3'